The following is an entry in ClinVar:

NM_201384.3(PLEC):c.10438A>G (p.Ser3480Gly)

Gene: PLEC (plectin; minus strand). Cytogenetic location: 8q24.3.
Variant type: single nucleotide variant.
Coding change: c.10438A>G on transcript NM_201384.3 (MANE Select); coding-DNA position 10438, A replaced by G.
Protein change: p.Ser3480Gly; replaces serine 3480 with glycine.
Molecular consequence: missense variant.
Genome position (GRCh38, 1-based): chr8:143,919,383, T>C on the plus strand (A>G on the coding strand, the complement: PLEC is on the minus strand). VCF-style: chr8-143919383-T-C. GRCh37 (hg19) VCF-style: chr8-144993551-T-C.
Other names: c.10519A>G, p.Ser3507Gly (NM_000445.5); c.7138A>G, p.Ser2380Gly (NM_001410941.1); c.10396A>G, p.Ser3466Gly (NM_201378.4); c.10372A>G, p.Ser3458Gly (NM_201379.3); c.10849A>G, p.Ser3617Gly (NM_201380.4); c.10342A>G, p.Ser3448Gly (NM_201381.3); c.10438A>G, p.Ser3480Gly (NM_201382.4); c.10450A>G, p.Ser3484Gly (NM_201383.3); short protein forms S2380G, S3458G, S3448G, S3617G, S3466G, S3480G, S3484G, S3507G.
Identifiers: ClinVar variation 2140583 (VCV002140583.28), dbSNP rs989173743, ClinGen allele CA187608950.

ClinVar aggregate classification (germline): Uncertain significance. Review status: criteria provided, multiple submitters, no conflicts (2 of 4 stars). 2 submissions from 2 submitters: Uncertain significance (2). Last evaluated 2023-10-01.

Conditions:
Epidermolysis bullosa simplex, Ogna type (EBS5A). Also called: Pidermolysis bullosa simplex 5A, Ogna type; EPIDERMOLYSIS BULLOSA SIMPLEX 5A, OGNA TYPE. Identifiers: Orphanet 79401, MedGen C0432317, MONDO:0007555, OMIM 131950.
Epidermolysis bullosa simplex with nail dystrophy (EBS5D). Identifiers: MedGen C4225309, MONDO:0014661, OMIM 616487.
Epidermolysis bullosa simplex 5B, with muscular dystrophy (EBS5B). Also called: Epidermolysis bullosa simplex with muscular dystrophy; EPIDERMOLYSIS BULLOSA SIMPLEX AND LIMB-GIRDLE MUSCULAR DYSTROPHY. Identifiers: Orphanet 257, MedGen C2931072, MONDO:0009181, OMIM 226670.
Epidermolysis bullosa simplex 5C, with pyloric atresia (EBS5C). Also called: PLEC-Related Epidermolysis Bullosa with Pyloric Atresia; Epidermolysis bullosa simplex with pyloric atresia; PLEC1-Related Epidermolysis Bullosa with Pyloric Atresia. Identifiers: Orphanet 158684, MedGen C2677349, MONDO:0012807, OMIM 612138.
Autosomal recessive limb-girdle muscular dystrophy type 2Q (LGMDR17). Also called: MUSCULAR DYSTROPHY, LIMB-GIRDLE, AUTOSOMAL RECESSIVE 17. Identifiers: Orphanet 254361, MedGen C3150989, MONDO:0013390, OMIM 613723.

Allele frequency attached by ClinVar (database versions not stated): TOPMed below 0.00001; gnomAD exomes 0.00001.
gnomAD v4.1: 17 of 1,613,698 alleles (0.0011%); highest among the groups gnomAD compares: Middle Eastern, 0.017%; no homozygotes.

Submissions (2):

CeGaT Center for Human Genetics Tuebingen
Classification: Uncertain significance. Last evaluated: 2023-10-01. Review status: criteria provided, single submitter. Criteria: CeGaT Center For Human Genetics Tuebingen Variant Classification Criteria Version 2. Collection method: clinical testing. Allele origin: germline. Affected: yes. Observed: 1 variant allele.
Comment: PLEC: PM2, BP4

Labcorp Genetics (formerly Invitae), Labcorp
Classification: Uncertain significance for Autosomal recessive limb-girdle muscular dystrophy type 2Q; Epidermolysis bullosa simplex, Ogna type; Epidermolysis bullosa simplex with nail dystrophy; Epidermolysis bullosa simplex 5C, with pyloric atresia; Epidermolysis bullosa simplex 5B, with muscular dystrophy. Last evaluated: 2022-08-01. Review status: criteria provided, single submitter. Criteria: Invitae Variant Classification Sherloc (09022015). Collection method: clinical testing. Allele origin: germline.
Comment: In summary, the available evidence is currently insufficient to determine the role of this variant in disease. Therefore, it has been classified as a Variant of Uncertain Significance. Algorithms developed to predict the effect of missense changes on protein structure and function (SIFT, PolyPhen-2, Align-GVGD) all suggest that this variant is likely to be disruptive. This variant has not been reported in the literature in individuals affected with PLEC-related conditions. This variant is not present in population databases (gnomAD no frequency). This sequence change replaces serine, which is neutral and polar, with glycine, which is neutral and non-polar, at codon 3507 of the PLEC protein (p.Ser3507Gly).